The following is an entry in ClinVar:

NM_001844.5(COL2A1):c.4166_4168del (p.Ile1389del)

Gene: COL2A1 (collagen type II alpha 1 chain; minus strand). Cytogenetic location: 12q13.11.
Variant type: Deletion.
Coding change: c.4166_4168del on transcript NM_001844.5 (MANE Select); coding-DNA positions 4166 to 4168, 3 bases deleted (TCA; older notation c.4166_4168delTCA).
Protein change: p.Ile1389del; deletes isoleucine 1389.
Molecular consequence: inframe deletion.
Genome position (GRCh38, 1-based): chr12:47,974,238-47,974,240, TGA deleted on the plus strand (TCA on the coding strand, the reverse complement: COL2A1 is on the minus strand); deleting any 3 consecutive bases within chr12:47,974,238-47,974,242 gives the same sequence; the c. name uses the placement nearest the transcript's 3' end. VCF-style (leftmost placement, unchanged base first): chr12-47974237-GTGA-G. GRCh37 (hg19) VCF-style: chr12-48368020-GTGA-G.
Other names: c.3959_3961del, p.Ile1320del (NM_033150.3); short protein forms I1389del, I1320del.
Identifiers: ClinVar variation 423019 (VCV000423019.2), dbSNP rs1064796170, ClinGen allele CA16619524.

ClinVar aggregate classification (germline): Likely pathogenic (1 of 4 stars; one submission).

Submission:

GeneDx
Classification: Likely pathogenic. Last evaluated: 2017-01-03. Review status: criteria provided, single submitter. Criteria: GeneDx Variant Classification (06012015). Collection method: clinical testing. Allele origin: germline. Affected: yes.
Comment: The Ile1389del likely pathogenic variant was identified in the COL2A1 gene has not been published as a pathogenic variant, nor has it been reported as a benign variant to our knowledge. The Ile1389del variant results in the in-frame removal of the Isoleucine residue at codon position 1389. It was not observed in approximately 6,500 individuals of European and African American ancestry in the NHLBI Exome Sequencing Project. Two similar in-frame amino acid deletions as well as multiple missense variants near Ile1389 have been reported in the in the Human Gene Mutation Database in association with COL2A1-related disorders (Stenson et al., 2014), supporting the functional importance of this region of the protein.